The following is an entry in ClinVar:

ClinVar aggregate classification (germline): Uncertain significance (1 of 4 stars; one submission).

Submission:

Labcorp Genetics (formerly Invitae), Labcorp
Classification: Uncertain significance. Last evaluated: 2021-09-01. Review status: criteria provided, single submitter. Criteria: Invitae Variant Classification Sherloc (09022015). Collection method: clinical testing. Allele origin: germline.
Comment: This sequence change replaces proline with leucine at codon 2650 of the USH2A protein (p.Pro2650Leu). The proline residue is highly conserved and there is a moderate physicochemical difference between proline and leucine. This variant is not present in population databases (ExAC no frequency). This variant has not been reported in the literature in individuals affected with USH2A-related conditions. Algorithms developed to predict the effect of missense changes on protein structure and function output the following: SIFT: "Tolerated"; PolyPhen-2: "Possibly Damaging"; Align-GVGD: "Class C0". The leucine amino acid residue is found in multiple mammalian species, which suggests that this missense change does not adversely affect protein function. In summary, the available evidence is currently insufficient to determine the role of this variant in disease. Therefore, it has been classified as a Variant of Uncertain Significance.

NM_206933.4(USH2A):c.7949C>T (p.Pro2650Leu)

Gene: USH2A (usherin; minus strand). Cytogenetic location: 1q41.
Variant type: single nucleotide variant.
Coding change: c.7949C>T on transcript NM_206933.4 (MANE Select); coding-DNA position 7949, C replaced by T.
Protein change: p.Pro2650Leu; replaces proline 2650 with leucine.
Molecular consequence: missense variant.
Genome position (GRCh38, 1-based): chr1:215,888,700, G>A on the plus strand (C>T on the coding strand, the complement: USH2A is on the minus strand). VCF-style: chr1-215888700-G-A. GRCh37 (hg19) VCF-style: chr1-216062042-G-A.
Other names: short protein forms P2650L.
Identifiers: ClinVar variation 1026271 (VCV001026271.6), dbSNP rs774819705, ClinGen allele CA344839389.